The following is an entry in ClinVar:

NM_001211.6(BUB1B):c.1514C>G (p.Ala505Gly)

Gene: BUB1B (BUB1 mitotic checkpoint serine/threonine kinase B; plus strand). Cytogenetic location: 15q15.1.
Variant type: single nucleotide variant.
Coding change: c.1514C>G on transcript NM_001211.6 (MANE Select); coding-DNA position 1514, C replaced by G.
Protein change: p.Ala505Gly; replaces alanine 505 with glycine.
Molecular consequence: missense variant.
Genome position (GRCh38, 1-based): chr15:40,200,356, C>G. VCF-style: chr15-40200356-C-G. GRCh37 (hg19) VCF-style: chr15-40492557-C-G.
Other names: short protein forms A505G.
Identifiers: ClinVar variation 3483138 (VCV003483138.1).

ClinVar aggregate classification (germline): Uncertain significance (1 of 4 stars; one submission).

Conditions:
Inborn genetic diseases. Identifiers: MedGen C0950123, MeSH D030342.

Submission:

Ambry Genetics
Classification: Uncertain significance for Inborn genetic diseases. Last evaluated: 2024-09-30. Review status: criteria provided, single submitter. Criteria: Ambry Variant Classification Scheme 2023. Collection method: clinical testing. Allele origin: germline.
Comment: The p.A505G variant (also known as c.1514C>G), located in coding exon 11 of the BUB1B gene, results from a C to G substitution at nucleotide position 1514. The alanine at codon 505 is replaced by glycine, an amino acid with similar properties. This amino acid position is conserved. In addition, this alteration is predicted to be tolerated by in silico analysis. Based on the available evidence, the clinical significance of this variant remains unclear.